The following is an entry in ClinVar:

NM_000256.3(MYBPC3):c.1678del (p.Asp560fs)

Gene: MYBPC3 (myosin binding protein C3; minus strand). Cytogenetic location: 11p11.2.
Variant type: Deletion.
Coding change: c.1678del on transcript NM_000256.3 (MANE Select); coding-DNA position 1678, one base deleted (G; older notation c.1678delG).
Protein change: p.Asp560fs; shifts the reading frame from aspartic acid 560.
Molecular consequence: frameshift variant.
Genome position (GRCh38, 1-based): chr11:47,342,103, C deleted on the plus strand (G on the coding strand, the reverse complement: MYBPC3 is on the minus strand); the first of 2 consecutive C bases (chr11:47,342,103-47,342,104); deleting either gives the same sequence. VCF-style (leftmost placement, unchanged base first): chr11-47342102-TC-T. GRCh37 (hg19) VCF-style: chr11-47363653-TC-T.
Other names: c.1678delG (NM_000256.3); c.1678del, p.Asp560fs (LRG_386t1); short protein forms D560fs.
Identifiers: ClinVar variation 177864 (VCV000177864.6), dbSNP rs727504366, ClinGen allele CA010909.
Genomic context (GRCh38, chr11:47,342,102, plus strand): 5'-TTCTTCAGCCACACACCCCGAACATTCTCATCTGAGACCTCACATTTGAACACCGCCTGG[TC>T]CTTTGCGCCCACCATCAGGTCTGCGATGCTCTGGTACACCTCCAGCTTCTTTTCTGCAGG-3'

ClinVar aggregate classification (germline): Pathogenic. Review status: criteria provided, multiple submitters, no conflicts (2 of 4 stars). 3 submissions from 3 submitters: Pathogenic (3). Last evaluated 2026-01-30.

Conditions:
Hypertrophic cardiomyopathy 4. Also called: Familial hypertrophic cardiomyopathy 4. Identifiers: MedGen C1861862, MONDO:0007268, OMIM 115197.
Hypertrophic cardiomyopathy. Also called: HYPERTROPHIC MYOCARDIOPATHY. Identifiers: Orphanet 217569, MedGen C0007194, MeSH D002312, MONDO:0005045, HP:0001639.

Submissions (3):

GeneDx
Classification: Pathogenic. Last evaluated: 2026-01-30. Review status: criteria provided, single submitter. Criteria: GeneDx Variant Classification Process June 2021. Collection method: clinical testing. Allele origin: germline.
Comment: Frameshift variant predicted to result in protein truncation or nonsense mediated decay in a gene for which loss of function is a known mechanism of disease; Not observed at significant frequency in large population cohorts (gnomAD); This variant is associated with the following publications: (PMID: 25611685, 27532257, 37652022, 32860008)

Laboratory for Molecular Medicine, Mass General Brigham Personalized Medicine
Classification: Pathogenic for Hypertrophic cardiomyopathy. Last evaluated: 2013-03-05. Review status: criteria provided, single submitter. Criteria: LMM Criteria. Collection method: clinical testing. Allele origin: germline. Inheritance: Autosomal dominant inheritance. Observed: 3 variant alleles.
Comment: proposed classification - variant undergoing re-assessment, contact laboratory

CENTOGENE GmbH and LLC - Guiding Precision Medicine
Classification: Pathogenic for Hypertrophic cardiomyopathy 4. Review status: criteria provided, single submitter. Criteria: ACMG Guidelines, 2015. Collection method: clinical testing. Allele origin: germline. Affected: yes.

Literature cited by the submitters: PubMed 32860008 (cited by CENTOGENE GmbH and LLC - Guiding Precision Medicine).